The following is an entry in ClinVar:

ClinVar aggregate classification (germline): Pathogenic (1 of 4 stars; one submission).

Conditions:
Hereditary breast ovarian cancer syndrome. Also called: Hereditary breast and ovarian cancer; Breast and ovarian cancer; BRCA1- and BRCA2-Associated Hereditary Breast and Ovarian Cancer; Hereditary breast and/or ovarian cancer syndrome; Hereditary breast and ovarian cancer syndrome; Hereditary breast and ovarian cancer syndrome (HBOC). Identifiers: Orphanet 145, MedGen C0677776, MeSH D061325, MONDO:0003582. Disease mechanism: loss of function.

Submission:

Labcorp Genetics (formerly Invitae), Labcorp
Classification: Pathogenic for Hereditary breast ovarian cancer syndrome. Last evaluated: 2021-08-12. Review status: criteria provided, single submitter. Criteria: Invitae Variant Classification Sherloc (09022015). Collection method: clinical testing. Allele origin: germline.
Comment: This variant is a gross deletion of the genomic region encompassing exon(s) 2-18 of the BRCA1 gene, which includes the initiator codon. This deletion extends beyond the assayed region for this gene and therefore may encompass additional genes. It is expected to result in an absent or disrupted protein product. Loss-of-function variants in BRCA1 are known to be pathogenic (PMID: 20104584). This variant has not been reported in the literature in individuals affected with BRCA1-related conditions. For these reasons, this variant has been classified as Pathogenic.

Literature cited by the submitters: PubMed 20104584.

NC_000017.10:g.(?_41215344)_(41276119_?)del

Gene: BRCA1 (BRCA1 DNA repair associated; minus strand). Cytogenetic location: 17q21.31.
Variant type: Deletion.
Identifiers: ClinVar variation 1075233 (VCV001075233.2).